The following is an entry in ClinVar:

ClinVar aggregate classification (germline): Uncertain significance. Review status: criteria provided, multiple submitters, no conflicts (2 of 4 stars). 3 submissions from 3 submitters: Uncertain significance (3). Last evaluated 2026-07-20.

Conditions:
Gastrointestinal stromal tumor. Also called: Gastrointestinal stroma tumor; Gastrointestinal stromal tumor, somatic. Identifiers: Orphanet 44890, MedGen C0238198, MeSH D046152, MONDO:0011719, OMIM 606764, HP:0100723.
Hereditary cancer-predisposing syndrome. Also called: Hereditary neoplastic syndrome; Hereditary Cancer Syndrome; Neoplastic Syndromes, Hereditary; Tumor predisposition. Identifiers: Orphanet 140162, MedGen C0027672, MeSH D009386, MONDO:0015356.
Polyps, multiple and recurrent inflammatory fibroid, gastrointestinal. Identifiers: MedGen C5193005, MONDO:0008285, OMIM 175510.

Allele frequency attached by ClinVar (database versions not stated): TOPMed below 0.00001.

Submissions (3):

Ambry Genetics
Classification: Uncertain significance for Hereditary cancer-predisposing syndrome. Last evaluated: 2026-07-20. Review status: criteria provided, single submitter. Criteria: Ambry Variant Classification Scheme 2023. Collection method: clinical testing. Allele origin: germline.
Comment: The p.I707S variant (also known as c.2120T>G), located in coding exon 14 of the PDGFRA gene, results from a T to G substitution at nucleotide position 2120. The isoleucine at codon 707 is replaced by serine, an amino acid with dissimilar properties. This amino acid position is conserved. In addition, this alteration is predicted to be deleterious by in silico analysis. Based on the available evidence, the clinical significance of this variant remains unclear.

Labcorp Genetics (formerly Invitae), Labcorp
Classification: Uncertain significance for Gastrointestinal stromal tumor. Last evaluated: 2024-10-13. Review status: criteria provided, single submitter. Criteria: Invitae Variant Classification Sherloc (09022015). Collection method: clinical testing. Allele origin: germline.
Comment: This sequence change replaces isoleucine, which is neutral and non-polar, with serine, which is neutral and polar, at codon 707 of the PDGFRA protein (p.Ile707Ser). This variant is not present in population databases (gnomAD no frequency). This variant has not been reported in the literature in individuals affected with PDGFRA-related conditions. An algorithm developed to predict the effect of missense changes on protein structure and function (PolyPhen-2) suggests that this variant is likely to be disruptive. In summary, the available evidence is currently insufficient to determine the role of this variant in disease. Therefore, it has been classified as a Variant of Uncertain Significance.

Baylor Genetics
Classification: Uncertain significance for Polyps, multiple and recurrent inflammatory fibroid, gastrointestinal. Last evaluated: 2023-06-05. Review status: criteria provided, single submitter. Criteria: ACMG Guidelines, 2015. Collection method: clinical testing. Allele origin: unknown.

NM_006206.6(PDGFRA):c.2120T>G (p.Ile707Ser)

Gene: PDGFRA (platelet derived growth factor receptor alpha; plus strand). Cytogenetic location: 4q12.
Variant type: single nucleotide variant.
Coding change: c.2120T>G on transcript NM_006206.6 (MANE Select); coding-DNA position 2120, T replaced by G.
Protein change: p.Ile707Ser; replaces isoleucine 707 with serine.
Molecular consequence: missense variant.
Genome position (GRCh38, 1-based): chr4:54,278,479, T>G. VCF-style: chr4-54278479-T-G. GRCh37 (hg19) VCF-style: chr4-55144646-T-G.
Other names: c.2120T>G, p.Ile707Ser (NM_001347827.2, NM_001347829.2); c.2195T>G, p.Ile732Ser (NM_001347828.2); c.2159T>G, p.Ile720Ser (NM_001347830.2); short protein forms I707S, I720S, I732S.
Identifiers: ClinVar variation 2677591 (VCV002677591.4), dbSNP rs1723880384, ClinGen allele CA356894095.
Genomic context (GRCh38, chr4:54,278,479, plus strand): 5'-ATAAGAATAGGGATAGCTTCCTGAGCCACCACCCAGAGAAGCCAAAGAAAGAGCTGGATA[T>G]CTTTGGATTGAACCCTGCTGATGAAAGCACACGGAGGTGGGTGCAAAGAGAGATGTTGCT-3'
Protein context (NP_006197.1, residues 697-717): HPEKPKKELD[Ile707Ser]FGLNPADEST